The following is an entry in ClinVar:

NM_138387.4(G6PC3):c.698A>G (p.Lys233Arg)

Gene: G6PC3 (glucose-6-phosphatase catalytic subunit 3; plus strand). Cytogenetic location: 17q21.31.
Variant type: single nucleotide variant.
Coding change: c.698A>G on transcript NM_138387.4 (MANE Select); coding-DNA position 698, A replaced by G.
Protein change: p.Lys233Arg; replaces lysine 233 with arginine.
Molecular consequence: missense variant. On other transcripts: synonymous variant (1).
Genome position (GRCh38, 1-based): chr17:44,075,700, A>G. VCF-style: chr17-44075700-A-G. GRCh37 (hg19) VCF-style: chr17-42153068-A-G.
Other names: c.579A>G, p.Gln193= (NM_001319945.2); c.353A>G, p.Lys118Arg (NM_001384165.1, NM_001384166.1, NM_001384167.1 and 1 more transcripts); short protein forms K233R, K118R.
Identifiers: ClinVar variation 5022093 (VCV005022093.1).
Genomic context (GRCh38, chr17:44,075,700, plus strand): 5'-TGTTCCAGCCTCTCCTGGCAAGAACTCTTCTTCCCCACAGGTCCATCAGCCTAGCCTTCA[A>G]GTGGTGTGAGCGGCCTGAGTGGATACACGTGGATAGCCGGCCCTTTGCCTCCCTGAGCCG-3'
Protein context (NP_612396.1, residues 223-243): DLSWSISLAF[Lys233Arg]WCERPEWIHV

ClinVar aggregate classification (germline): Uncertain significance (1 of 4 stars; one submission).

Conditions:
Inborn genetic diseases. Identifiers: MedGen C0950123, MeSH D030342.

Submission:

Ambry Genetics
Classification: Uncertain significance for Inborn genetic diseases. Last evaluated: 2026-07-25. Review status: criteria provided, single submitter. Criteria: Ambry Variant Classification Scheme 2023. Collection method: clinical testing. Allele origin: germline.
Comment: The p.K233R variant (also known as c.698A>G), located in coding exon 6 of the G6PC3 gene, results from an A to G substitution at nucleotide position 698. The lysine at codon 233 is replaced by arginine, an amino acid with highly similar properties. This amino acid position is conserved. In addition, this alteration is predicted to be tolerated by in silico analysis. Based on the available evidence, the clinical significance of this variant remains unclear.